The following is an entry in ClinVar:

ClinVar aggregate classification (germline): Likely benign (1 of 4 stars; one submission).

gnomAD v4.1: 5,070 of 1,614,152 alleles (0.31%); highest among the groups gnomAD compares: Non-Finnish European, 0.41%; 12 homozygotes.

Submission:

CeGaT Center for Human Genetics Tuebingen
Classification: Likely benign. Last evaluated: 2026-01-01. Review status: criteria provided, single submitter. Criteria: CeGaT Center For Human Genetics Tuebingen Variant Classification Criteria Version 2. Collection method: clinical testing. Allele origin: germline. Affected: yes. Observed: 1 variant allele.
Comment: MFAP1: BP4, BP7

NM_005926.3(MFAP1):c.228G>A (p.Gln76=)

Gene: MFAP1 (microfibril associated protein 1; minus strand). Cytogenetic location: 15q15.3.
Variant type: single nucleotide variant.
Coding change: c.228G>A on transcript NM_005926.3 (MANE Select); coding-DNA position 228, G replaced by A.
Protein change: p.Gln76=; no amino-acid change (glutamine 76 retained).
Molecular consequence: synonymous variant.
Genome position (GRCh38, 1-based): chr15:43,817,300, C>T on the plus strand (G>A on the coding strand, the complement: MFAP1 is on the minus strand). VCF-style: chr15-43817300-C-T. GRCh37 (hg19) VCF-style: chr15-44109498-C-T.
Identifiers: ClinVar variation 4820735 (VCV004820735.4).